The following is an entry in ClinVar:

ClinVar aggregate classification (germline): Benign/Likely benign. Review status: criteria provided, multiple submitters, no conflicts (2 of 4 stars). 6 submissions from 6 submitters: Benign (2); Likely benign (3). 1 of the submissions does not count toward it. Last evaluated 2026-06-11.

Conditions:
Dyskeratosis congenita. Identifiers: Orphanet 1775, MedGen C0265965, MONDO:0015780.
TINF2-related disorder. Also called: TINF2-related condition.

Allele frequency attached by ClinVar (database versions not stated): gnomAD exomes 0.00002 and 0.00006; ExAC 0.00007; gnomAD 0.00025 and 0.00030; TOPMed 0.00031; ESP Exome Variant Server 0.00032.

Submissions (6):

Women's Health and Genetics/Laboratory Corporation of America, LabCorp
Classification: Benign. Last evaluated: 2026-06-11. Review status: criteria provided, single submitter. Criteria: LabCorp Variant Classification Summary - May 2015. Collection method: clinical testing. Allele origin: germline.
Comment: Variant summary: TINF2 c.1059G>A (p.Lys353Lys) alters a nucleotide located close to a canonical splice site and therefore could affect mRNA splicing, leading to a significantly altered protein sequence. Consensus agreement among computation tools predict no significant impact on normal splicing. However, these predictions have yet to be confirmed by functional studies. The variant allele was found at a frequency of 6.4e-05 in 249530 control chromosomes, predominantly at a frequency of 0.001 within the African or African-American subpopulation in the gnomAD database. The observed variant frequency within African or African-American control individuals in the gnomAD database exceeds the estimated maximal expected allele frequency for disease-causing variants in TINF2. To our knowledge, no occurrence of c.1059G>A in individuals affected with TINF2-related conditions and no experimental evidence demonstrating its impact on protein function have been reported. ClinVar contains an entry for this variant (Variation ID: 1170761). Based on the evidence outlined above, the variant was classified as benign.

Labcorp Genetics (formerly Invitae), Labcorp
Classification: Benign for Dyskeratosis congenita. Last evaluated: 2026-01-11. Review status: criteria provided, single submitter. Criteria: Invitae Variant Classification Sherloc (09022015). Collection method: clinical testing. Allele origin: germline.

Ambry Genetics
Classification: Likely benign for Dyskeratosis congenita. Last evaluated: 2024-11-22. Review status: criteria provided, single submitter. Criteria: Ambry Variant Classification Scheme 2023. Collection method: clinical testing. Allele origin: germline.

Sema4
Classification: Likely benign for Dyskeratosis congenita. Last evaluated: 2021-05-07. Review status: criteria provided, single submitter. Criteria: Sema4 Curation Guidelines. Collection method: curation. Allele origin: germline.

Blueprint Genetics
Classification: Likely benign. Last evaluated: 2020-11-02. Review status: criteria provided, single submitter. Criteria: ACMG Guidelines, 2015. Collection method: clinical testing. Allele origin: germline.

PreventionGenetics, part of Exact Sciences
Classification: Likely benign for TINF2-related condition. Last evaluated: 2019-05-29. Review status: no assertion criteria provided. Collection method: clinical testing. Allele origin: germline. Not counted in ClinVar's aggregate classification.
Comment: This variant is classified as likely benign based on ACMG/AMP sequence variant interpretation guidelines (Richards et al. 2015 PMID: 25741868, with internal and published modifications).

NM_001099274.3(TINF2):c.1059G>A (p.Lys353=)

Gene: TINF2 (TERF1 interacting nuclear factor 2; minus strand). Cytogenetic location: 14q12.
Variant type: single nucleotide variant.
Coding change: c.1059G>A on transcript NM_001099274.3 (MANE Select); coding-DNA position 1059, G replaced by A.
Protein change: p.Lys353=; no amino-acid change (lysine 353 retained).
Molecular consequence: synonymous variant.
Genome position (GRCh38, 1-based): chr14:24,240,421, C>T on the plus strand (G>A on the coding strand, the complement: TINF2 is on the minus strand). VCF-style: chr14-24240421-C-T. GRCh37 (hg19) VCF-style: chr14-24709627-C-T.
Other names: c.954G>A, p.Lys318= (NM_001363668.2); c.1059G>A, p.Lys353= (NM_012461.3).
Identifiers: ClinVar variation 1170761 (VCV001170761.15), dbSNP rs374320783, ClinGen allele CA7130521.
Genomic context (GRCh38, chr14:24,240,421, plus strand): 5'-TGAAGGGAAGGCAGGCAAAGAATGTGCTCCTAGTAAGAAGCAACTCTGTTCCACTCACTC[C>T]TTTTGCTCTGTGGCAGGCAAGTCAACTGGGTTCTCCTTCAGAGCCCTTCCCCCCAGGGTC-3'
Protein context (NP_001092744.1, residues 343-363): NPVDLPATEQ[Lys353=]ENCLDCYMDP